The following is an entry in ClinVar:

ClinVar aggregate classification (germline): Benign/Likely benign. Review status: criteria provided, multiple submitters, no conflicts (2 of 4 stars). 3 submissions from 3 submitters: Benign (2); Likely benign (1). Last evaluated 2024-01-24.

Allele frequency attached by ClinVar (database versions not stated): gnomAD 0.17191 and 0.17395; 1000 Genomes Project 30x 0.18098; 1000 Genomes Project 0.18470; TOPMed 0.17194.
gnomAD v4.1: 181,584 of 949,000 alleles (19%); highest among the groups gnomAD compares: Admixed American, 32%; 18,877 homozygotes.

Submissions (3):

Unidad de Genómica Garrahan, Hospital de Pediatría Garrahan
Classification: Benign. Last evaluated: 2024-01-24. Review status: criteria provided, single submitter. Criteria: ACMG Guidelines, 2015. Collection method: clinical testing. Allele origin: germline. Affected: no. Observed: 36 variant alleles.
Comment: This variant is classified as Benign based on local population frequency. This variant was detected in 38% of patients studied by a panel of primary immunodeficiencies. Number of patients: 36. Only high quality variants are reported.

GeneDx
Classification: Benign. Last evaluated: 2018-06-14. Review status: criteria provided, single submitter. Criteria: GeneDx Variant Classification Process June 2021. Collection method: clinical testing. Allele origin: germline. Affected: yes.

Breakthrough Genomics
Classification: Likely benign. Review status: criteria provided, single submitter. Criteria: ACMG Guidelines, 2015. Collection method: not provided. Allele origin: germline. Inheritance: Autosomal recessive inheritance. Affected: yes.

NM_002633.3(PGM1):c.*93A>C

Gene: PGM1 (phosphoglucomutase 1; plus strand). Cytogenetic location: 1p31.3.
Variant type: single nucleotide variant.
Coding change: c.*93A>C on transcript NM_002633.3 (MANE Select); 93 bases downstream of the stop codon, A replaced by C.
Molecular consequence: 3 prime UTR variant.
Genome position (GRCh38, 1-based): chr1:63,659,768, A>C. VCF-style: chr1-63659768-A-C. GRCh37 (hg19) VCF-style: chr1-64125439-A-C.
Other names: c.*93A>C (NM_001172818.1, NM_001172819.2).
Identifiers: ClinVar variation 297897 (VCV000297897.8), dbSNP rs4643, ClinGen allele CA10610626.
Genomic context (GRCh38, chr1:63,659,768, plus strand): 5'-CCCCGGACCCATCCAAGTCATCTGATTGAAGAGCATGACAGAAACAAAATGTATTCACCA[A>C]GCATTTTAGGATTTGACTTTTTCACTAACCAGTTGACGAGCAGTGCATTTACAAGGCACT-3'